The following is an entry in ClinVar:

NM_000179.3(MSH6):c.1085C>G (p.Pro362Arg)

Gene: MSH6 (mutS homolog 6; plus strand). Cytogenetic location: 2p16.3.
Variant type: single nucleotide variant.
Coding change: c.1085C>G on transcript NM_000179.3 (MANE Select); coding-DNA position 1085, C replaced by G.
Protein change: p.Pro362Arg; replaces proline 362 with arginine.
Molecular consequence: missense variant.
Genome position (GRCh38, 1-based): chr2:47,799,068, C>G. VCF-style: chr2-47799068-C-G. GRCh37 (hg19) VCF-style: chr2-48026207-C-G.
Other names: c.695C>G, p.Pro232Arg (NM_001281492.2); c.179C>G, p.Pro60Arg (NM_001281493.2, NM_001281494.2); short protein forms P362R, P60R, P232R.
Identifiers: ClinVar variation 629006 (VCV000629006.13), dbSNP rs759359754, ClinGen allele CA346741821.

ClinVar aggregate classification (germline): Conflicting classifications of pathogenicity. Review status: criteria provided, conflicting classifications (1 of 4 stars). 3 submissions from 3 submitters: Uncertain significance (2); Likely benign (1). Last evaluated 2026-03-30.

Conditions:
Hereditary cancer-predisposing syndrome. Also called: Tumor predisposition; Hereditary Cancer Syndrome; Neoplastic Syndromes, Hereditary; Hereditary neoplastic syndrome. Identifiers: Orphanet 140162, MedGen C0027672, MeSH D009386, MONDO:0015356.
Hereditary nonpolyposis colorectal neoplasms. Identifiers: MedGen C0009405, MeSH D003123.

Allele frequency attached by ClinVar (database versions not stated): gnomAD exomes below 0.00001.
gnomAD v4.1: 2 of 1,614,090 alleles (0.00012%); highest among the groups gnomAD compares: South Asian, 0.0011%; no homozygotes.

Submissions (3):

Ambry Genetics
Classification: Uncertain significance for Hereditary cancer-predisposing syndrome. Last evaluated: 2026-03-30. Review status: criteria provided, single submitter. Criteria: Ambry Variant Classification Scheme 2023. Collection method: clinical testing. Allele origin: germline.
Comment: The p.P362R variant (also known as c.1085C>G), located in coding exon 4 of the MSH6 gene, results from a C to G substitution at nucleotide position 1085. The proline at codon 362 is replaced by arginine, an amino acid with dissimilar properties. This amino acid position is not well conserved in available vertebrate species. In addition, the in silico prediction for this alteration is inconclusive. Based on the available evidence, the clinical significance of this variant remains unclear.

Labcorp Genetics (formerly Invitae), Labcorp
Classification: Likely benign for Hereditary nonpolyposis colorectal neoplasms. Last evaluated: 2025-06-09. Review status: criteria provided, single submitter. Criteria: Invitae Variant Classification Sherloc (09022015). Collection method: clinical testing. Allele origin: germline.

Color Diagnostics, LLC DBA Color Health
Classification: Uncertain significance for Hereditary cancer-predisposing syndrome. Last evaluated: 2023-12-05. Review status: criteria provided, single submitter. Criteria: ACMG Guidelines, 2015. Collection method: clinical testing. Allele origin: germline.
Comment: This missense variant replaces proline with arginine at codon 362 of the MSH6 protein. Computational prediction suggests that this variant may not impact protein structure and function (internally defined REVEL score threshold <= 0.5, PMID: 27666373). To our knowledge, functional studies have not been reported for this variant. This variant has not been reported in individuals affected with MSH6-related disorders in the literature. This variant has been identified in 1/251078 chromosomes in the general population by the Genome Aggregation Database (gnomAD). The available evidence is insufficient to determine the role of this variant in disease conclusively. Therefore, this variant is classified as a Variant of Uncertain Significance.